The following is an entry in ClinVar:

NM_000492.4(CFTR):c.3623del (p.Gly1208fs)

Genes: CFTR-AS2 (CFTR antisense RNA 2; minus strand), CFTR (CF transmembrane conductance regulator; plus strand). Cytogenetic location: 7q31.2.
Variant type: Deletion.
Coding change: c.3623del on transcript NM_000492.4 (MANE Select); coding-DNA position 3623, one base deleted (G; older notation c.3623delG).
Protein change: p.Gly1208fs; shifts the reading frame from glycine 1208.
Molecular consequence: frameshift variant.
Genome position (GRCh38, 1-based): chr7:117,627,676, G deleted; the last of 5 consecutive G bases (chr7:117,627,672-117,627,676); deleting any one gives the same sequence. VCF-style (leftmost placement, unchanged base first): chr7-117627671-AG-A. GRCh37 (hg19) VCF-style: chr7-117267725-AG-A.
Other names: c.3623delG (NM_000492.3); short protein forms G1208fs.
Identifiers: ClinVar variation 53783 (VCV000053783.3), dbSNP rs35396083, ClinGen allele CA327244.
Genomic context (GRCh38, chr7:117,627,671, plus strand): 5'-ACTCTCGAAAGTTATGATTATTGAGAATTCACACGTGAAGAAAGATGACATCTGGCCCTC[AG>A]GGGGCCAAATGACTGTCAAAGATCTCACAGCAAAATACACAGAAGGTGGAAATGCCATAT-3'

ClinVar aggregate classification (germline): Pathogenic/Likely pathogenic. Review status: criteria provided, multiple submitters, no conflicts (2 of 4 stars). 3 submissions from 3 submitters: Pathogenic (2); Likely pathogenic (1). Last evaluated 2025-08-05.

Conditions:
CFTR-related disorder (CFTR-RD). Also called: CFTR-related condition; CFTR-related disorders. Identifiers: MedGen C5924204, MONDO:7770004.
Cystic fibrosis (CF). Also called: MUCOVISCIDOSIS. Identifiers: Orphanet 586, MedGen C0010674, MONDO:0009061, OMIM 219700. Disease mechanism: loss of function.

Submissions (3):

Natera, Inc.
Classification: Pathogenic for CFTR-related disorders. Last evaluated: 2025-08-05. Review status: criteria provided, single submitter. Criteria: Natera Variant Classification Schema (03/2026). Collection method: clinical testing. Allele origin: germline.
Comment: The c.3623delG variant in CFTR is a frameshift variant predicted to shift the reading frame beginning at codon 1208 and leads to a stop codon 3 codons downstream. This variant is expected to result in nonsense mediated decay, truncation, or a dysfunctional protein product. This variant is rare in the general population with a frequency below the threshold expected for the associated phenotype(s). This variant has been observed in one or more individuals affected with the associated recessive disease, as either homozygous or compound heterozygous with a second variant (PMID: 33786233, 28603918). Given the available evidence, this variant is classified as Pathogenic.

Women's Health and Genetics/Laboratory Corporation of America, LabCorp
Classification: Likely pathogenic for Cystic fibrosis. Last evaluated: 2019-07-01. Review status: criteria provided, single submitter. Criteria: LabCorp Variant Classification Summary - May 2015. Collection method: clinical testing. Allele origin: germline.
Comment: Variant summary: CFTR c.3623delG (p.Gly1208AlafsX3) results in a premature termination codon, predicted to cause a truncation of the encoded protein or absence of the protein due to nonsense mediated decay, which are commonly known mechanisms for disease. Truncations downstream of this position have been classified as pathogenic by our laboratory. The variant was absent in 250226 control chromosomes (gnomAD). c.3623delG has been reported in the literature in the homozygous state in an individual affected with Cystic Fibrosis (Claustres_2017). These data indicate that the variant may be associated with disease. To our knowledge, no experimental evidence demonstrating an impact on protein function has been reported. No clinical diagnostic laboratories have submitted clinical-significance assessments for this variant to ClinVar after 2014. Based on the evidence outlined above, the variant was classified as likely pathogenic.

CFTR-France
Classification: Pathogenic for cystic fibrosis. Last evaluated: 2018-01-29. Review status: criteria provided, single submitter. Criteria: Claustres M et al. (Hum Mutat 2017). Collection method: curation. Allele origin: germline. Affected: yes.

Literature cited by the submitters: PubMed 33786233 (cited by Natera, Inc.); PubMed 28603918 (cited by Natera, Inc. and Women's Health and Genetics/Laboratory Corporation of America, LabCorp).